The following is an entry in ClinVar:

NM_014053.4(FLVCR1):c.1536G>A (p.Lys512=)

Gene: FLVCR1 (FLVCR choline and heme transporter 1; plus strand). Cytogenetic location: 1q32.3.
Variant type: single nucleotide variant.
Coding change: c.1536G>A on transcript NM_014053.4 (MANE Select); coding-DNA position 1536, G replaced by A.
Protein change: p.Lys512=; no amino-acid change (lysine 512 retained).
Molecular consequence: synonymous variant.
Genome position (GRCh38, 1-based): chr1:212,894,996, G>A. VCF-style: chr1-212894996-G-A. GRCh37 (hg19) VCF-style: chr1-213068338-G-A.
Identifiers: ClinVar variation 4682319 (VCV004682319.1).

ClinVar aggregate classification (germline): Uncertain significance (1 of 4 stars; one submission).

gnomAD v4.1: 1 of 1,604,346 alleles (0.000062%); no homozygotes.

Submission:

Athena Diagnostics
Classification: Uncertain significance. Last evaluated: 2025-04-11. Review status: criteria provided, single submitter. Criteria: Athena Diagnostics Criteria. Collection method: clinical testing. Allele origin: unknown.
Comment: Available data are insufficient to determine the clinical significance of the variant at this time. This variant has not been reported in large, multi-ethnic general populations. Computational tools yielded predictions that this variant is unlikely to have an effect on normal RNA splicing.